The following is an entry in ClinVar:

ClinVar aggregate classification (germline): Uncertain significance (1 of 4 stars; one submission).

Submission:

Labcorp Genetics (formerly Invitae), Labcorp
Classification: Uncertain significance. Last evaluated: 2022-08-19. Review status: criteria provided, single submitter. Criteria: Invitae Variant Classification Sherloc (09022015). Collection method: clinical testing. Allele origin: germline.
Comment: This variant is not present in population databases (gnomAD no frequency). This sequence change replaces serine, which is neutral and polar, with asparagine, which is neutral and polar, at codon 248 of the PRDM5 protein (p.Ser248Asn). This variant also falls at the last nucleotide of exon 6, which is part of the consensus splice site for this exon. This variant has not been reported in the literature in individuals affected with PRDM5-related conditions. Algorithms developed to predict the effect of missense changes on protein structure and function are either unavailable or do not agree on the potential impact of this missense change (SIFT: "Deleterious"; PolyPhen-2: "Probably Damaging"; Align-GVGD: "Class C0"). Variants that disrupt the consensus splice site are a relatively common cause of aberrant splicing (PMID: 17576681, 9536098). Algorithms developed to predict the effect of sequence changes on RNA splicing suggest that this variant may disrupt the consensus splice site. In summary, the available evidence is currently insufficient to determine the role of this variant in disease. Therefore, it has been classified as a Variant of Uncertain Significance.

Literature cited by the submitters: PubMed 17576681; PubMed 9536098.

NM_018699.4(PRDM5):c.743G>A (p.Ser248Asn)

Gene: PRDM5 (PR/SET domain 5; minus strand). Cytogenetic location: 4q27.
Variant type: single nucleotide variant.
Coding change: c.743G>A on transcript NM_018699.4 (MANE Select); coding-DNA position 743, G replaced by A.
Protein change: p.Ser248Asn; replaces serine 248 with asparagine.
Molecular consequence: missense variant. On other transcripts: intron variant (3).
Genome position (GRCh38, 1-based): chr4:120,816,832, C>T on the plus strand (G>A on the coding strand, the complement: PRDM5 is on the minus strand). VCF-style: chr4-120816832-C-T. GRCh37 (hg19) VCF-style: chr4-121737987-C-T.
Other names: c.743G>A, p.Ser248Asn (NM_001379104.1); c.651-258G>A (NM_001300824.2, NM_001379106.1, NM_001300823.2); short protein forms S248N.
Identifiers: ClinVar variation 2025056 (VCV002025056.4), dbSNP rs1003431280, ClinGen allele CA105121764.
Genomic context (GRCh38, chr4:120,816,832, plus strand): 5'-ATGCATGCAAAAAATGACCCACAATTATATAACAGCCATTTCATAACTCAGACACAAAAC[C>T]TCGATGCTGAACTGAAGGAAGAATTGCAAACAGAGCACTGAAAACTTCGCGAAGACTCCT-3'
Protein context (NP_061169.2, residues 238-258): VCNSSFSSAS[Ser248Asn]FEQHQETCRG